The following is an entry in ClinVar:

NM_000263.4(NAGLU):c.2054G>C (p.Ser685Thr)

Gene: NAGLU (N-acetyl-alpha-glucosaminidase; plus strand). Cytogenetic location: 17q21.2.
Variant type: single nucleotide variant.
Coding change: c.2054G>C on transcript NM_000263.4 (MANE Select); coding-DNA position 2054, G replaced by C.
Protein change: p.Ser685Thr; replaces serine 685 with threonine.
Molecular consequence: missense variant.
Genome position (GRCh38, 1-based): chr17:42,544,060, G>C. VCF-style: chr17-42544060-G-C. GRCh37 (hg19) VCF-style: chr17-40696078-G-C.
Other names: short protein forms S685T.
Identifiers: ClinVar variation 2148156 (VCV002148156.1), dbSNP rs2092930357, ClinGen allele CA399606019.
Genomic context (GRCh38, chr17:42,544,060, plus strand): 5'-GGTTGGTGGCCAACTACTACACCCCTCGCTGGCGGCTTTTCCTGGAGGCGCTGGTTGACA[G>C]TGTGGCCCAGGGCATCCCTTTCCAACAGCACCAGTTTGACAAAAATGTCTTCCAACTGGA-3'
Protein context (NP_000254.2, residues 675-695): WRLFLEALVD[Ser685Thr]VAQGIPFQQH

ClinVar aggregate classification (germline): Uncertain significance (1 of 4 stars; one submission).

Conditions:
Charcot-Marie-Tooth disease axonal type 2V. Also called: CHARCOT-MARIE-TOOTH NEUROPATHY, TYPE 2V; CHARCOT-MARIE-TOOTH DISEASE, AXONAL, AUTOSOMAL DOMINANT, TYPE 2V. Identifiers: Orphanet 447964, MedGen C5569050, MONDO:0014665, OMIM 616491.
Mucopolysaccharidosis, MPS-III-B (MPS3B). Also called: N-ACETYL-ALPHA-D-GLUCOSAMINIDASE DEFICIENCY; NAGLU DEFICIENCY; SANFILIPPO SYNDROME B; MPS III B; MUCOPOLYSACCHARIDOSIS, TYPE IIIB; MPS IIIB (Sanfilippo Syndrome Type B). Identifiers: Orphanet 79270, MedGen C0086648, MONDO:0009656, OMIM 252920.

gnomAD v4.1: 2 of 1,613,778 alleles (0.00012%); no homozygotes.

Submission:

Labcorp Genetics (formerly Invitae), Labcorp
Classification: Uncertain significance for Charcot-Marie-Tooth disease axonal type 2V; Mucopolysaccharidosis, MPS-III-B. Last evaluated: 2022-04-25. Review status: criteria provided, single submitter. Criteria: Invitae Variant Classification Sherloc (09022015). Collection method: clinical testing. Allele origin: germline.
Comment: This sequence change replaces serine, which is neutral and polar, with threonine, which is neutral and polar, at codon 685 of the NAGLU protein (p.Ser685Thr). This variant is not present in population databases (gnomAD no frequency). This variant has not been reported in the literature in individuals affected with NAGLU-related conditions. Advanced modeling of protein sequence and biophysical properties (such as structural, functional, and spatial information, amino acid conservation, physicochemical variation, residue mobility, and thermodynamic stability) performed at Invitae indicates that this missense variant is expected to disrupt NAGLU protein function. In summary, the available evidence is currently insufficient to determine the role of this variant in disease. Therefore, it has been classified as a Variant of Uncertain Significance.